The following is an entry in ClinVar:

ClinVar aggregate classification (germline): Uncertain significance (1 of 4 stars; one submission).

gnomAD v4.1: 5 of 1,608,746 alleles (0.00031%); highest among the groups gnomAD compares: African/African-American, 0.0054%; no homozygotes.

Submission:

Labcorp Genetics (formerly Invitae), Labcorp
Classification: Uncertain significance. Last evaluated: 2026-01-24. Review status: criteria provided, single submitter. Criteria: Invitae Variant Classification Sherloc (09022015). Collection method: clinical testing. Allele origin: germline.
Comment: This sequence change replaces proline, which is neutral and non-polar, with serine, which is neutral and polar, at codon 339 of the CCDC50 protein (p.Pro339Ser). This variant is present in population databases (rs200576224, gnomAD 0.01%). This variant has not been reported in the literature in individuals affected with CCDC50-related conditions. ClinVar contains an entry for this variant (Variation ID: 3694716). An algorithm developed to predict the effect of missense changes on protein structure and function (PolyPhen-2) suggests that this variant is likely to be tolerated. In summary, the available evidence is currently insufficient to determine the role of this variant in disease. Therefore, it has been classified as a Variant of Uncertain Significance.

NM_178335.3(CCDC50):c.1015C>T (p.Pro339Ser)

Gene: CCDC50 (coiled-coil domain containing 50; plus strand). Cytogenetic location: 3q28.
Variant type: single nucleotide variant.
Coding change: c.1015C>T on transcript NM_178335.3 (MANE Select); coding-DNA position 1015, C replaced by T.
Protein change: p.Pro339Ser; replaces proline 339 with serine.
Molecular consequence: missense variant.
Genome position (GRCh38, 1-based): chr3:191,380,197, C>T. VCF-style: chr3-191380197-C-T. GRCh37 (hg19) VCF-style: chr3-191097986-C-T.
Other names: c.487C>T, p.Pro163Ser (NM_174908.4); short protein forms P163S, P339S.
Identifiers: ClinVar variation 3694716 (VCV003694716.2).